The following is an entry in ClinVar:

NM_016203.4(PRKAG2):c.778_781dup (p.Tyr261fs)

Gene: PRKAG2 (protein kinase AMP-activated non-catalytic subunit gamma 2; minus strand). Cytogenetic location: 7q36.1.
Variant type: Duplication.
Coding change: c.778_781dup on transcript NM_016203.4 (MANE Select); coding-DNA positions 778 to 781, 4 bases duplicated (GTTT; older notation c.778_781dupGTTT).
Protein change: p.Tyr261fs; shifts the reading frame from tyrosine 261.
Molecular consequence: frameshift variant.
Genome position (GRCh38, 1-based): chr7:151,595,428-151,595,431, AAAC duplicated on the plus strand (GTTT on the coding strand, the reverse complement: PRKAG2 is on the minus strand); duplicating any 4 consecutive bases within chr7:151,595,428-151,595,432 gives the same sequence; the c. name uses the placement nearest the transcript's 3' end. VCF-style (leftmost placement, unchanged base first): chr7-151595427-T-TAAAC. GRCh37 (hg19) VCF-style: chr7-151292513-T-TAAAC.
Other names: c.646_649dup, p.Tyr217fs (NM_001040633.2); c.403_406dup, p.Tyr136fs (NM_001304527.2); c.55_58dup, p.Tyr20fs (NM_001304531.2, NM_024429.2); c.406_409dup, p.Tyr137fs (NM_001363698.2); short protein forms Y261fs, Y217fs, Y136fs, Y20fs, Y137fs.
Identifiers: ClinVar variation 652121 (VCV000652121.8), dbSNP rs1585114507, ClinGen allele CA915945584.

ClinVar aggregate classification (germline): Uncertain significance. Review status: criteria provided, multiple submitters, no conflicts (2 of 4 stars). 2 submissions from 2 submitters: Uncertain significance (2). Last evaluated 2024-04-03.

Conditions:
Cardiovascular phenotype. Identifiers: MedGen CN230736.
Lethal congenital glycogen storage disease of heart. Also called: GLYCOGEN STORAGE DISEASE OF HEART; PHOSPHORYLASE KINASE DEFICIENCY OF HEART. Identifiers: Orphanet 439854, MedGen C1849813, MONDO:0009867, OMIM 261740.

Submissions (2):

Labcorp Genetics (formerly Invitae), Labcorp
Classification: Uncertain significance for Lethal congenital glycogen storage disease of heart. Last evaluated: 2024-04-03. Review status: criteria provided, single submitter. Criteria: Invitae Variant Classification Sherloc (09022015). Collection method: clinical testing. Allele origin: germline.
Comment: This sequence change creates a premature translational stop signal (p.Tyr261Cysfs*13) in the PRKAG2 gene. It is expected to result in an absent or disrupted protein product. However, the current clinical and genetic evidence is not sufficient to establish whether loss-of-function variants in PRKAG2 cause disease. This variant is not present in population databases (gnomAD no frequency). This variant has not been reported in the literature in individuals affected with PRKAG2-related conditions. ClinVar contains an entry for this variant (Variation ID: 652121). In summary, the available evidence is currently insufficient to determine the role of this variant in disease. Therefore, it has been classified as a Variant of Uncertain Significance.

Ambry Genetics
Classification: Uncertain significance for Cardiovascular phenotype. Last evaluated: 2020-03-24. Review status: criteria provided, single submitter. Criteria: Ambry Variant Classification Scheme 2023. Collection method: clinical testing. Allele origin: germline.
Comment: The c.778_781dupGTTT variant, located in coding exon 6 of the PRKAG2 gene, results from a duplication of GTTT at nucleotide position 778, causing a translational frameshift with a predicted alternate stop codon (p.Y261Cfs*13). This alteration is expected to result in premature protein truncation or nonsense-mediated mRNA decay. However, loss of function of PRKAG2 has not been clearly established as a mechanism of disease. Since supporting evidence is limited at this time, the clinical significance of this alteration remains unclear.